The following is an entry in ClinVar:

NM_032776.3(JMJD1C):c.1336G>A (p.Ala446Thr)

Gene: JMJD1C (jumonji domain containing 1C; minus strand). Cytogenetic location: 10q21.3.
Variant type: single nucleotide variant.
Coding change: c.1336G>A on transcript NM_032776.3 (MANE Select); coding-DNA position 1336, G replaced by A.
Protein change: p.Ala446Thr; replaces alanine 446 with threonine.
Molecular consequence: missense variant. On other transcripts: non-coding transcript variant (1).
Genome position (GRCh38, 1-based): chr10:63,214,831, C>T on the plus strand (G>A on the coding strand, the complement: JMJD1C is on the minus strand). VCF-style: chr10-63214831-C-T. GRCh37 (hg19) VCF-style: chr10-64974591-C-T.
Other names: c.790G>A, p.Ala264Thr (NM_001282948.2, NM_001318154.2); c.472G>A, p.Ala158Thr (NM_001318153.2); c.1222G>A, p.Ala408Thr (NM_001322252.2); c.679G>A, p.Ala227Thr (NM_001322254.2, NM_001322258.2); c.1336G>A (NM_032776.1); short protein forms A227T, A446T, A158T, A264T, A408T.
Identifiers: ClinVar variation 940403 (VCV000940403.10), dbSNP rs745649754, ClinGen allele CA5518823.

ClinVar aggregate classification (germline): Uncertain significance. Review status: criteria provided, multiple submitters, no conflicts (2 of 4 stars). 2 submissions from 2 submitters: Uncertain significance (2). Last evaluated 2025-10-07.

Conditions:
Early Myoclonic Encephalopathy. Identifiers: MedGen C0270855.

Allele frequency attached by ClinVar (database versions not stated): ExAC 0.00006; TOPMed 0.00012; gnomAD exomes 0.00006; gnomAD 0.00012.
gnomAD v4.1: 133 of 1,613,646 alleles (0.0082%); highest among the groups gnomAD compares: African/African-American, 0.032%; no homozygotes.

Submissions (2):

Labcorp Genetics (formerly Invitae), Labcorp
Classification: Uncertain significance for Early Myoclonic Encephalopathy. Last evaluated: 2025-10-07. Review status: criteria provided, single submitter. Criteria: Invitae Variant Classification Sherloc (09022015). Collection method: clinical testing. Allele origin: germline.
Comment: This sequence change replaces alanine, which is neutral and non-polar, with threonine, which is neutral and polar, at codon 446 of the JMJD1C protein (p.Ala446Thr). This variant is present in population databases (rs745649754, gnomAD 0.03%). This variant has not been reported in the literature in individuals affected with JMJD1C-related conditions. ClinVar contains an entry for this variant (Variation ID: 940403). Invitae Evidence Modeling of protein sequence and biophysical properties (such as structural, functional, and spatial information, amino acid conservation, physicochemical variation, residue mobility, and thermodynamic stability) indicates that this missense variant is not expected to disrupt JMJD1C protein function with a negative predictive value of 80%. In summary, the available evidence is currently insufficient to determine the role of this variant in disease. Therefore, it has been classified as a Variant of Uncertain Significance.

Ambry Genetics
Classification: Uncertain significance. Last evaluated: 2025-03-25. Review status: criteria provided, single submitter. Criteria: Ambry Variant Classification Scheme 2023. Collection method: clinical testing. Allele origin: germline.